The following is an entry in ClinVar:

NM_000238.4(KCNH2):c.3403C>T (p.Arg1135Cys)

Gene: KCNH2 (potassium voltage-gated channel subfamily H member 2; minus strand). Cytogenetic location: 7q36.1.
Variant type: single nucleotide variant.
Coding change: c.3403C>T on transcript NM_000238.4 (MANE Select); coding-DNA position 3403, C replaced by T.
Protein change: p.Arg1135Cys; replaces arginine 1135 with cysteine.
Molecular consequence: missense variant.
Genome position (GRCh38, 1-based): chr7:150,945,442, G>A on the plus strand (C>T on the coding strand, the complement: KCNH2 is on the minus strand). VCF-style: chr7-150945442-G-A. GRCh37 (hg19) VCF-style: chr7-150642530-G-A.
Other names: c.2383C>T, p.Arg795Cys (NM_172057.3); short protein forms R795C, R1135C.
Identifiers: ClinVar variation 920427 (VCV000920427.14), dbSNP rs781369850, ClinGen allele CA038959.

ClinVar aggregate classification (germline): Uncertain significance. Review status: criteria provided, multiple submitters, no conflicts (2 of 4 stars). 4 submissions from 4 submitters: Uncertain significance (4). Last evaluated 2025-09-22.

Conditions:
Cardiac arrhythmia. Also called: Cardiac rhythm disease; Arrhythmia. Identifiers: MedGen C0003811, MONDO:0007263, HP:0011675.
Long QT syndrome (LQTS). Identifiers: MedGen C0023976, MeSH D008133, MONDO:0002442. Disease mechanism: loss of function. Inheritance: Various modes of inheritance.

Allele frequency attached by ClinVar (database versions not stated): ExAC below 0.00001; gnomAD 0.00001; TOPMed 0.00002; gnomAD exomes 0.00001.

Submissions (4):

Labcorp Genetics (formerly Invitae), Labcorp
Classification: Uncertain significance for Long QT syndrome. Last evaluated: 2025-09-22. Review status: criteria provided, single submitter. Criteria: Invitae Variant Classification Sherloc (09022015). Collection method: clinical testing. Allele origin: germline.
Comment: This sequence change replaces arginine, which is basic and polar, with cysteine, which is neutral and slightly polar, at codon 1135 of the KCNH2 protein (p.Arg1135Cys). The frequency data for this variant in the population databases is considered unreliable, as metrics indicate poor data quality at this position in the gnomAD database. This missense change has been observed in individual(s) with clinical features of KCNH2-related conditions (PMID: 28549997). ClinVar contains an entry for this variant (Variation ID: 920427). An algorithm developed to predict the effect of missense changes on protein structure and function (PolyPhen-2) suggests that this variant is likely to be disruptive. Experimental studies have shown that this missense change does not substantially affect KCNH2 function (PMID: 28549997). In summary, the available evidence is currently insufficient to determine the role of this variant in disease. Therefore, it has been classified as a Variant of Uncertain Significance.

Color Diagnostics, LLC DBA Color Health
Classification: Uncertain significance for Cardiac arrhythmia. Last evaluated: 2025-07-15. Review status: criteria provided, single submitter. Criteria: ACMG Guidelines, 2015. Collection method: clinical testing. Allele origin: germline.
Comment: This missense variant replaces arginine with cysteine at codon 1135 of the KCNH2 protein. Computational prediction is inconclusive regarding the impact of this variant on protein structure and function. To our knowledge, functional studies have not been reported for this variant. This variant has not been reported in individuals affected with KCNH2-related disorders in the literature. This variant has been identified in 1/169826 chromosomes in the general population by the Genome Aggregation Database (gnomAD). The available evidence is insufficient to determine the role of this variant in disease conclusively. Therefore, this variant is classified as a Variant of Uncertain Significance.

All of Us Research Program, National Institutes of Health
Classification: Uncertain significance for Long QT syndrome. Last evaluated: 2024-01-11. Review status: criteria provided, single submitter. Criteria: ACMG Guidelines, 2015. Collection method: clinical testing. Allele origin: germline. Inheritance: Autosomal dominant inheritance. Observed: 1 variant allele, 1 heterozygote.
Comment: Variant of Uncertain Significance due to insufficient evidence: This missense variant replaces arginine with cysteine at codon 1135 of the KCNH2 protein. Computational prediction tools and conservation analyses are inconclusive regarding the impact of this variant on the protein function. Computational splicing tools suggest that this variant may not impact RNA splicing. To our knowledge, functional assays have not been performed for this variant nor has this variant been reported in individuals affected with cardiovascular disorders in the literature. This variant is rare in the general population and has been identified in 0/277264 chromosomes by the Genome Aggregation Database (gnomAD). Available evidence is insufficient to determine the role of this variant in disease conclusively.

This study involves interpretation of variants in research participants for the purpose of population health screening. Participant phenotype was not available at the time of variant classification. Additional details can be found in publication PMID: 35346344, PMCID: PMC8962531

GeneDx
Classification: Uncertain significance. Last evaluated: 2023-07-25. Review status: criteria provided, single submitter. Criteria: GeneDx Variant Classification Process June 2021. Collection method: clinical testing. Allele origin: germline. Affected: yes.
Comment: Identified in a patient with atrial fibrillation and mitral valve regurgitation in published literature (Gregers et al., 2017); Not observed at significant frequency in large population cohorts (gnomAD); Published functional studies did not demonstrate a significant difference in channel properties when compared to wild-type (Gregers et al., 2017); In silico analysis supports that this missense variant does not alter protein structure/function; This variant is associated with the following publications: (PMID: 28549997)

Literature cited by the submitters: PubMed 28549997 (cited by Labcorp Genetics (formerly Invitae), Labcorp).